The following is an entry in ClinVar:

NM_001018005.2(TPM1):c.240+4493G>A

Genes: TPM1 (tropomyosin 1; plus strand), TPM1-AS (TPM1 antisense RNA; minus strand), LOC130057222 (ATAC-STARR-seq lymphoblastoid silent region 6507; plus strand). Cytogenetic location: 15q22.2.
Variant type: single nucleotide variant.
Coding change: c.240+4493G>A on transcript NM_001018005.2 (MANE Select); 4493 bases into the intron after coding-DNA position 240, G replaced by A.
Molecular consequence: intron variant. On other transcripts: non-coding transcript variant (1), missense variant (8).
Genome position (GRCh38, 1-based): chr15:63,048,645, G>A. VCF-style: chr15-63048645-G-A. GRCh37 (hg19) VCF-style: chr15-63340844-G-A.
Other names: c.70G>A, p.Ala24Thr (NM_001018008.2, NM_001301289.2, NM_001330344.2 and 5 more transcripts); c.366+4493G>A (NM_001365778.1); c.240+4814G>A (NM_001018020.2, NM_001018007.2, NM_001301244.2); c.240+4493G>A (NM_001018006.2, NM_001365776.1, NM_001018004.2 and 3 more transcripts); short protein forms A24T.
Identifiers: ClinVar variation 222844 (VCV000222844.2), dbSNP rs869025540, ClinGen allele CA351788.

ClinVar aggregate classification (germline): Uncertain significance (1 of 4 stars; one submission).

Conditions:
Dilated cardiomyopathy 1Y (CMD1Y). Identifiers: Orphanet 154, Orphanet 54260, MedGen C2678476, MONDO:0012744, OMIM 611878.

Allele frequency attached by ClinVar (database versions not stated): TOPMed 0.00001; gnomAD 0.00001.
gnomAD v4.1: 3 of 1,538,306 alleles (0.0002%); highest among the groups gnomAD compares: Non-Finnish European, 0.00026%; no homozygotes.

Submission:

Victorian Clinical Genetics Services, Murdoch Childrens Research Institute
Classification: Uncertain significance for Dilated cardiomyopathy 1Y. Last evaluated: 2022-02-02. Review status: criteria provided, single submitter. Criteria: ACMG Guidelines, 2015. Collection method: clinical testing. Allele origin: germline. Inheritance: Autosomal dominant inheritance. Affected: yes.
Comment: Based on the classification scheme VCGS_Germline_v1.3.4, this variant is classified as VUS-3C. Following criteria are met: 0105 - The mechanism of disease for this gene is not clearly established, although it has been suggested that that hypertrophic cardiomyopathy is caused by gain of function missense variants while dilated cardiomyopathy is caused by loss of function missense variants (PMID: 31270709). (I) 0107 - This gene is associated with autosomal dominant disease. (I) 0200 - Variant is predicted to result in a missense amino acid change from alanine to threonine. (I) 0219 - This variant is non-coding in an alternative transcript. This variant is deep intronic within the skeletal muscle, ClinVar predominant transcript (NM_001018005.1) and the smooth muscle isoform (NM_001018007.1) (UCSC, NCBI). (I) 0251 - This variant is heterozygous. (I) 0302 - Variant is present in gnomAD (v3) <0.001 for a dominant condition (2 heterozygotes, 0 homozygotes). (SP) 0309 - Alternative amino acid changes at the same position have been observed in gnomAD (v2, v3) (2 heterozygotes, 0 homozygotes). (I) 0502 - Missense variant with conflicting in silico predictions and uninformative conservation. (I) 0600 - Variant is located in the annotated tropomyosin domain (NCBI). (I) 0705 - No comparable missense variants have previous evidence for pathogenicity. (I) 0809 - Previous evidence of pathogenicity for this variant is inconclusive. This variant has been reported as a VUS (ClinVar). (I) 0905 - No published segregation evidence has been identified for this variant. (I) 1007 - No published functional evidence has been identified for this variant. (I) 1208 - Inheritance information for this variant is not currently available in this individual. (I) Legend: (SP) - Supporting pathogenic, (I) - Information, (SB) - Supporting benign

Literature cited by the submitters: PubMed 31270709.